The following is an entry in ClinVar:

ClinVar aggregate classification (germline): Uncertain significance (1 of 4 stars; one submission).

Conditions:
Autosomal dominant nonsyndromic hearing loss 1. Also called: KONIGSMARK SYNDROME; DEAFNESS, AUTOSOMAL DOMINANT 1, WITH OR WITHOUT THROMBOCYTOPENIA. Identifiers: Orphanet 90635, MedGen C1852282, MONDO:0007424, OMIM 124900.
Progressive microcephaly-seizures-cortical blindness-developmental delay syndrome. Also called: Seizures, cortical blindness, and microcephaly syndrome. Identifiers: Orphanet 477814, MedGen C5567650, MONDO:0014714, OMIM 616632.

Allele frequency attached by ClinVar (database versions not stated): gnomAD exomes below 0.00001; gnomAD 0.00001; TOPMed 0.00001.
gnomAD v4.1: 3 of 1,613,844 alleles (0.00019%); highest among the groups gnomAD compares: Non-Finnish European, 0.00025%; no homozygotes.

Submission:

Labcorp Genetics (formerly Invitae), Labcorp
Classification: Uncertain significance for Progressive microcephaly-seizures-cortical blindness-developmental delay syndrome; Autosomal dominant nonsyndromic hearing loss 1. Last evaluated: 2023-12-13. Review status: criteria provided, single submitter. Criteria: Invitae Variant Classification Sherloc (09022015). Collection method: clinical testing. Allele origin: germline.
Comment: This sequence change replaces alanine, which is neutral and non-polar, with glycine, which is neutral and non-polar, at codon 479 of the DIAPH1 protein (p.Ala479Gly). This variant is not present in population databases (gnomAD no frequency). This variant has not been reported in the literature in individuals affected with DIAPH1-related conditions. ClinVar contains an entry for this variant (Variation ID: 1517146). Experimental studies and prediction algorithms are not available or were not evaluated, and the functional significance of this variant is currently unknown. In summary, the available evidence is currently insufficient to determine the role of this variant in disease. Therefore, it has been classified as a Variant of Uncertain Significance.

NM_005219.5(DIAPH1):c.1436C>G (p.Ala479Gly)

Gene: DIAPH1 (diaphanous related formin 1; minus strand). Cytogenetic location: 5q31.3.
Variant type: single nucleotide variant.
Coding change: c.1436C>G on transcript NM_005219.5 (MANE Select); coding-DNA position 1436, C replaced by G.
Protein change: p.Ala479Gly; replaces alanine 479 with glycine.
Molecular consequence: missense variant.
Genome position (GRCh38, 1-based): chr5:141,576,255, G>C on the plus strand (C>G on the coding strand, the complement: DIAPH1 is on the minus strand). VCF-style: chr5-141576255-G-C. GRCh37 (hg19) VCF-style: chr5-140955822-G-C.
Other names: c.1409C>G, p.Ala470Gly (NM_001079812.3); c.1436C>G, p.Ala479Gly (NM_001314007.2); short protein forms A479G, A470G.
Identifiers: ClinVar variation 1517146 (VCV001517146.8), dbSNP rs1342839445, ClinGen allele CA361526643.